The following is an entry in ClinVar:

ClinVar aggregate classification (germline): Uncertain significance (1 of 4 stars; one submission).

Allele frequency attached by ClinVar (database versions not stated): gnomAD below 0.00001 and 0.00001; gnomAD exomes 0.00001.
gnomAD v4.1: 11 of 1,614,206 alleles (0.00068%); highest among the groups gnomAD compares: East Asian, 0.0067%; no homozygotes.

Submission:

Labcorp Genetics (formerly Invitae), Labcorp
Classification: Uncertain significance. Last evaluated: 2024-05-07. Review status: criteria provided, single submitter. Criteria: Invitae Variant Classification Sherloc (09022015). Collection method: clinical testing. Allele origin: germline.
Comment: This sequence change replaces arginine, which is basic and polar, with glutamine, which is neutral and polar, at codon 387 of the ACBD5 protein (p.Arg387Gln). This variant is present in population databases (no rsID available, gnomAD 0.01%). This variant has not been reported in the literature in individuals affected with ACBD5-related conditions. ClinVar contains an entry for this variant (Variation ID: 955147). Advanced modeling of protein sequence and biophysical properties (such as structural, functional, and spatial information, amino acid conservation, physicochemical variation, residue mobility, and thermodynamic stability) performed at Invitae indicates that this missense variant is not expected to disrupt ACBD5 protein function with a negative predictive value of 80%. In summary, the available evidence is currently insufficient to determine the role of this variant in disease. Therefore, it has been classified as a Variant of Uncertain Significance.

NM_145698.5(ACBD5):c.1160G>A (p.Arg387Gln)

Gene: ACBD5 (acyl-CoA binding domain containing 5; minus strand). Cytogenetic location: 10p12.1.
Variant type: single nucleotide variant.
Coding change: c.1160G>A on transcript NM_145698.5 (MANE Select); coding-DNA position 1160, G replaced by A.
Protein change: p.Arg387Gln; replaces arginine 387 with glutamine.
Molecular consequence: missense variant.
Genome position (GRCh38, 1-based): chr10:27,210,858, C>T on the plus strand (G>A on the coding strand, the complement: ACBD5 is on the minus strand). VCF-style: chr10-27210858-C-T. GRCh37 (hg19) VCF-style: chr10-27499787-C-T.
Other names: c.1055G>A, p.Arg352Gln (NM_001042473.4, NM_001352577.2, NM_001352578.2 and 1 more transcripts); c.1154G>A, p.Arg385Gln (NM_001271512.3); c.833G>A, p.Arg278Gln (NM_001301251.2, NM_001301252.2, NM_001301253.2 and 2 more transcripts); c.629G>A, p.Arg210Gln (NM_001301254.2); c.1214G>A, p.Arg405Gln (NM_001352568.1); c.1193G>A, p.Arg398Gln (NM_001352569.1); c.1160G>A, p.Arg387Gln (NM_001352570.1); c.1187G>A, p.Arg396Gln (NM_001352571.1); and 10 more; short protein forms R289Q, R328Q, R334Q, R352Q, R210Q, R330Q, R387Q, R396Q.
Identifiers: ClinVar variation 955147 (VCV000955147.8), dbSNP rs1433206822, ClinGen allele CA376373760.